The following is an entry in ClinVar:

NM_001005361.3(DNM2):c.2560G>T (p.Ala854Ser)

Gene: DNM2 (dynamin 2; plus strand). Cytogenetic location: 19p13.2.
Variant type: single nucleotide variant.
Coding change: c.2560G>T on transcript NM_001005361.3 (MANE Select); coding-DNA position 2560, G replaced by T.
Protein change: p.Ala854Ser; replaces alanine 854 with serine.
Molecular consequence: missense variant.
Genome position (GRCh38, 1-based): chr19:10,830,994, G>T. VCF-style: chr19-10830994-G-T. GRCh37 (hg19) VCF-style: chr19-10941670-G-T.
Other names: c.2560G>T, p.Ala854Ser (NM_001005360.3); c.2548G>T, p.Ala850Ser (NM_001005362.3, NM_004945.4); c.2557G>T, p.Ala853Ser (NM_001190716.2); short protein forms A854S, A853S, A850S.
Identifiers: ClinVar variation 327991 (VCV000327991.8), dbSNP rs886054141, ClinGen allele CA10652185.

ClinVar aggregate classification (germline): Uncertain significance. Review status: criteria provided, multiple submitters, no conflicts (2 of 4 stars). 5 submissions from 4 submitters: Uncertain significance (5). Last evaluated 2024-11-07.

Conditions:
Inborn genetic diseases. Identifiers: MedGen C0950123, MeSH D030342.
Charcot-Marie-Tooth disease dominant intermediate B (CMTDIB). Also called: CHARCOT-MARIE-TOOTH NEUROPATHY, DOMINANT INTERMEDIATE B; Charcot-Marie-Tooth disease dominant intermediate 1; CMT DI1; Charcot-Marie-Tooth disease dominant intermediate I. Identifiers: Orphanet 100044, Orphanet 228179, MedGen C1847902, MONDO:0011674, OMIM 606482.
Autosomal dominant centronuclear myopathy. Also called: MYOTUBULAR MYOPATHY, AUTOSOMAL DOMINANT; Myopathy, centronuclear, 3. Identifiers: Orphanet 169189, MedGen C4551952, MeSH D020914, MONDO:0008048, OMIM 160150.

Allele frequency attached by ClinVar (database versions not stated): gnomAD 0.00001; gnomAD exomes 0.00001 and 0.00002; TOPMed 0.00001.
gnomAD v4.1: 9 of 1,611,250 alleles (0.00056%); highest among the groups gnomAD compares: Non-Finnish European, 0.00076%; no homozygotes.

Submissions (5):

Athena Diagnostics
Classification: Uncertain significance. Last evaluated: 2024-11-07. Review status: criteria provided, single submitter. Criteria: Athena Diagnostics Criteria. Collection method: clinical testing. Allele origin: unknown.
Comment: Available data are insufficient to determine the clinical significance of the variant at this time. The frequency of this variant in the general population is uninformative in assessment of its pathogenicity. Polyphen and MutationTaster predict this amino acid change may be benign.

Ambry Genetics
Classification: Uncertain significance for Inborn genetic diseases. Last evaluated: 2024-04-29. Review status: criteria provided, single submitter. Criteria: Ambry Variant Classification Scheme 2023. Collection method: clinical testing. Allele origin: germline.

Labcorp Genetics (formerly Invitae), Labcorp
Classification: Uncertain significance for Charcot-Marie-Tooth disease dominant intermediate B. Last evaluated: 2022-06-19. Review status: criteria provided, single submitter. Criteria: Invitae Variant Classification Sherloc (09022015). Collection method: clinical testing. Allele origin: germline.
Comment: This sequence change replaces alanine, which is neutral and non-polar, with serine, which is neutral and polar, at codon 854 of the DNM2 protein (p.Ala854Ser). The frequency data for this variant in the population databases is considered unreliable, as metrics indicate poor data quality at this position in the gnomAD database. This variant has not been reported in the literature in individuals affected with DNM2-related conditions. ClinVar contains an entry for this variant (Variation ID: 327991). Algorithms developed to predict the effect of missense changes on protein structure and function are either unavailable or do not agree on the potential impact of this missense change (SIFT: "Tolerated"; PolyPhen-2: "Not Available"; Align-GVGD: "Class C0"). In summary, the available evidence is currently insufficient to determine the role of this variant in disease. Therefore, it has been classified as a Variant of Uncertain Significance.

Illumina Laboratory Services, Illumina
Classification: Uncertain significance for Charcot-Marie-Tooth disease dominant intermediate B. Last evaluated: 2018-01-12. Review status: criteria provided, single submitter. Criteria: ICSL Variant Classification Criteria 13 December 2019. Collection method: clinical testing. Allele origin: germline.

Illumina Laboratory Services, Illumina
Classification: Uncertain significance for Autosomal dominant centronuclear myopathy. Last evaluated: 2018-01-12. Review status: criteria provided, single submitter. Criteria: ICSL Variant Classification Criteria 13 December 2019. Collection method: clinical testing. Allele origin: germline.